The following is an entry in ClinVar:

ClinVar aggregate classification (germline): Uncertain significance (1 of 4 stars; one submission).

Conditions:
Neurodevelopmental disorder with or without hyperkinetic movements and seizures, autosomal dominant. Also called: Intellectual disability, autosomal dominant 8. Identifiers: MedGen C3280282, MONDO:0013655, OMIM 614254.

Allele frequency attached by ClinVar (database versions not stated): TOPMed below 0.00001.

Submission:

Labcorp Genetics (formerly Invitae), Labcorp
Classification: Uncertain significance for Neurodevelopmental disorder with or without hyperkinetic movements and seizures, autosomal dominant. Last evaluated: 2026-01-04. Review status: criteria provided, single submitter. Criteria: Invitae Variant Classification Sherloc (09022015). Collection method: clinical testing. Allele origin: germline.
Comment: This sequence change replaces alanine, which is neutral and non-polar, with valine, which is neutral and non-polar, at codon 45 of the GRIN1 protein (p.Ala45Val). This variant is not present in population databases (gnomAD no frequency). This variant has not been reported in the literature in individuals affected with GRIN1-related conditions. ClinVar contains an entry for this variant (Variation ID: 2812522). Invitae Evidence Modeling of protein sequence and biophysical properties (such as structural, functional, and spatial information, amino acid conservation, physicochemical variation, residue mobility, and thermodynamic stability) indicates that this missense variant is not expected to disrupt GRIN1 protein function with a negative predictive value of 95%. In summary, the available evidence is currently insufficient to determine the role of this variant in disease. Therefore, it has been classified as a Variant of Uncertain Significance.

NM_007327.4(GRIN1):c.134C>T (p.Ala45Val)

Gene: GRIN1 (glutamate ionotropic receptor NMDA type subunit 1; plus strand). Cytogenetic location: 9q34.3.
Variant type: single nucleotide variant.
Coding change: c.134C>T on transcript NM_007327.4 (MANE Select); coding-DNA position 134, C replaced by T.
Protein change: p.Ala45Val; replaces alanine 45 with valine.
Molecular consequence: missense variant.
Genome position (GRCh38, 1-based): chr9:137,139,620, C>T. VCF-style: chr9-137139620-C-T. GRCh37 (hg19) VCF-style: chr9-140034072-C-T.
Other names: c.134C>T, p.Ala45Val (NM_000832.7, NM_001185090.2, NM_001185091.2 and 1 more transcripts); short protein forms A45V.
Identifiers: ClinVar variation 2812522 (VCV002812522.3), dbSNP rs1832054480, ClinGen allele CA375713216.